The following is an entry in ClinVar:

ClinVar aggregate classification (germline): Pathogenic (1 of 4 stars; one submission).

Submission:

Labcorp Genetics (formerly Invitae), Labcorp
Classification: Pathogenic. Last evaluated: 2025-11-03. Review status: criteria provided, single submitter. Criteria: Invitae Variant Classification Sherloc (09022015). Collection method: clinical testing. Allele origin: germline.
Comment: This sequence change falls in intron 14 of the PHEX gene. It does not directly change the encoded amino acid sequence of the PHEX protein. It affects a nucleotide within the consensus splice site. This variant is not present in population databases (gnomAD no frequency). This variant has been observed in individual(s) with clinical features of hypophosphatemic rickets (PMID: 34141703, 34806794, 36060934; internal data). It has also been observed to segregate with disease in related individuals. ClinVar contains an entry for this variant (Variation ID: 1488042). Variants that disrupt the consensus splice site are a relatively common cause of aberrant splicing (PMID: 17576681, 9536098). Algorithms developed to predict the effect of sequence changes on RNA splicing suggest that this variant may disrupt the consensus splice site. For these reasons, this variant has been classified as Pathogenic.

Literature cited by the submitters: PubMed 34141703; PubMed 34806794; PubMed 36060934; PubMed 17576681; PubMed 9536098.

NM_000444.6(PHEX):c.1586+3G>T

Gene: PHEX (phosphate regulating endopeptidase X-linked; plus strand). Cytogenetic location: Xp22.11.
Variant type: single nucleotide variant.
Coding change: c.1586+3G>T on transcript NM_000444.6 (MANE Select); 3 bases into the intron after coding-DNA position 1586, G replaced by T.
Molecular consequence: intron variant.
Genome position (GRCh38, 1-based): chrX:22,178,379, G>T. VCF-style: chrX-22178379-G-T. GRCh37 (hg19) VCF-style: chrX-22196496-G-T.
Other names: c.1586+3G>T (NM_001282754.2).
Identifiers: ClinVar variation 1488042 (VCV001488042.6), dbSNP rs2147128300, ClinGen allele CA2573158623.
Genomic context (GRCh38, chrX:22,178,379, plus strand): 5'-GCAAGTATTTAGCACAGTCTGATTTCTTCTGGCTAAGAAAAGCCGTTCCAAAAACAGAGT[G>T]AGTATTAAACAAAAAAAGTTAAATAGATAAATACATTGGTGAGAAGCGGAGTCTCTTTAG-3'